The following is an entry in ClinVar:

NM_020795.4(NLGN2):c.1332C>T (p.Gly444=)

Gene: NLGN2 (neuroligin 2; plus strand). Cytogenetic location: 17p13.1.
Variant type: single nucleotide variant.
Coding change: c.1332C>T on transcript NM_020795.4 (MANE Select); coding-DNA position 1332, C replaced by T.
Protein change: p.Gly444=; no amino-acid change (glycine 444 retained).
Molecular consequence: synonymous variant.
Genome position (GRCh38, 1-based): chr17:7,415,805, C>T. VCF-style: chr17-7415805-C-T. GRCh37 (hg19) VCF-style: chr17-7319124-C-T.
Identifiers: ClinVar variation 718297 (VCV000718297.18), dbSNP rs145633225, ClinGen allele CA8346061.

ClinVar aggregate classification (germline): Likely benign. Review status: criteria provided, multiple submitters, no conflicts (2 of 4 stars). 3 submissions from 3 submitters: Likely benign (3). Last evaluated 2026-09-01.

Allele frequency attached by ClinVar (database versions not stated): 1000 Genomes Project 30x 0.00016; 1000 Genomes Project 0.00020; gnomAD exomes 0.00060 and 0.00132; ExAC 0.00063; gnomAD 0.00078 and 0.00080; TOPMed 0.00094; ESP Exome Variant Server 0.00108.
gnomAD v4.1: 2,057 of 1,613,950 alleles (0.13%); highest among the groups gnomAD compares: Non-Finnish European, 0.16%; 1 homozygote.

Submissions (3):

CeGaT Center for Human Genetics Tuebingen
Classification: Likely benign. Last evaluated: 2026-09-01. Review status: criteria provided, single submitter. Criteria: CeGaT Center For Human Genetics Tuebingen Variant Classification Criteria Version 2. Collection method: clinical testing. Allele origin: germline. Affected: yes. Observed: 2 variant alleles.
Comment: NLGN2: BP4, BP7

Labcorp Genetics (formerly Invitae), Labcorp
Classification: Likely benign. Last evaluated: 2026-01-02. Review status: criteria provided, single submitter. Criteria: Invitae Variant Classification Sherloc (09022015). Collection method: clinical testing. Allele origin: germline.

Breakthrough Genomics
Classification: Likely benign. Review status: criteria provided, single submitter. Criteria: ACMG Guidelines, 2015. Collection method: not provided. Allele origin: germline. Inheritance: Unknown mechanism. Affected: yes.